The following is an entry in ClinVar:

NM_001014.5(RPS10):c.111C>G (p.Asp37Glu)

Genes: RPS10 (ribosomal protein S10; minus strand), RPS10-NUDT3 (RPS10-NUDT3 readthrough; minus strand). Cytogenetic location: 6p21.31.
Variant type: single nucleotide variant.
Coding change: c.111C>G on transcript NM_001014.5 (MANE Select); coding-DNA position 111, C replaced by G.
Protein change: p.Asp37Glu; replaces aspartic acid 37 with glutamic acid.
Molecular consequence: missense variant.
Genome position (GRCh38, 1-based): chr6:34,425,111, G>C on the plus strand (C>G on the coding strand, the complement: RPS10 is on the minus strand). VCF-style: chr6-34425111-G-C. GRCh37 (hg19) VCF-style: chr6-34392888-G-C.
Other names: c.111C>G, p.Asp37Glu (NM_001202470.3, NM_001203245.3, NM_001204091.2); c.111C>G (NM_001202470.2); short protein forms D37E.
Identifiers: ClinVar variation 356421 (VCV000356421.15), dbSNP rs374314919, ClinGen allele CA3765133.

ClinVar aggregate classification (germline): Conflicting classifications of pathogenicity. Review status: criteria provided, conflicting classifications (1 of 4 stars). 3 submissions from 3 submitters: Uncertain significance (1); Likely benign (2). Last evaluated 2026-01-05.

Conditions:
Diamond-Blackfan anemia. Also called: Blackfan Diamond syndrome; Aregenerative anemia chronic congenital; Red cell aplasia, pure hereditary; Congenital hypoplastic anemia; Aase syndrome. Identifiers: Orphanet 124, MedGen C1260899, MeSH D029503, MONDO:0015253, HP:0004810.
Diamond-Blackfan anemia 9 (DBA9). Also called: RPS10-Related Diamond-Blackfan Anemia. Identifiers: Orphanet 124, MedGen C2750081, MONDO:0013216, OMIM 613308.

Allele frequency attached by ClinVar (database versions not stated): gnomAD 0.00004 and 0.00005; gnomAD exomes 0.00004 and 0.00011; TOPMed 0.00006; ESP Exome Variant Server 0.00008; ExAC 0.00012.
gnomAD v4.1: 72 of 1,612,742 alleles (0.0045%); highest among the groups gnomAD compares: Admixed American, 0.017%; no homozygotes.

Submissions (3):

Labcorp Genetics (formerly Invitae), Labcorp
Classification: Likely benign for Diamond-Blackfan anemia. Last evaluated: 2026-01-05. Review status: criteria provided, single submitter. Criteria: Invitae Variant Classification Sherloc (09022015). Collection method: clinical testing. Allele origin: germline.

Ambry Genetics
Classification: Uncertain significance. Last evaluated: 2025-08-31. Review status: criteria provided, single submitter. Criteria: Ambry Variant Classification Scheme 2023. Collection method: clinical testing. Allele origin: germline.

Illumina Laboratory Services, Illumina
Classification: Likely benign for Diamond-Blackfan anemia 9. Last evaluated: 2018-01-12. Review status: criteria provided, single submitter. Criteria: ICSL Variant Classification Criteria 13 December 2019. Collection method: clinical testing. Allele origin: germline.
Comment: This variant was observed in the ICSL laboratory as part of a predisposition screen in an ostensibly healthy population. It had not been previously curated by ICSL or reported in the Human Gene Mutation Database (HGMD: prior to June 1st, 2018), and was therefore a candidate for classification through an automated scoring system. Utilizing variant allele frequency, disease prevalence and penetrance estimates, and inheritance mode, an automated score was calculated to assess if this variant is too frequent to cause the disease. Based on the score and internal cut-off values, a variant classified as likely benign is not then subjected to further curation. The score for this variant resulted in a classification of likely benign for this disease.